The following is an entry in ClinVar:

ClinVar aggregate classification (germline): Uncertain significance (1 of 4 stars; one submission).

Conditions:
Inborn genetic diseases. Identifiers: MedGen C0950123, MeSH D030342.

Submission:

Ambry Genetics
Classification: Uncertain significance for Inborn genetic diseases. Last evaluated: 2024-08-02. Review status: criteria provided, single submitter. Criteria: Ambry Variant Classification Scheme 2023. Collection method: clinical testing. Allele origin: germline.
Comment: The c.1496A>T (p.D499V) alteration is located in exon 12 (coding exon 11) of the LMBRD2 gene. This alteration results from an A to T substitution at nucleotide position 1496, causing the aspartic acid (D) at amino acid position 499 to be replaced by a valine (V). This variant was not reported in population-based cohorts in the Genome Aggregation Database (gnomAD). This amino acid position is highly conserved in available vertebrate species. This missense alteration is located in a region that has a low rate of benign missense variation (Lek, 2016; Firth, 2009). This alteration is predicted to be deleterious by in silico analysis. Based on insufficient or conflicting evidence, the clinical significance of this alteration remains unclear.

NM_001007527.2(LMBRD2):c.1496A>T (p.Asp499Val)

Gene: LMBRD2 (LMBR1 domain containing 2; minus strand). Cytogenetic location: 5p13.2.
Variant type: single nucleotide variant.
Coding change: c.1496A>T on transcript NM_001007527.2 (MANE Select); coding-DNA position 1496, A replaced by T.
Protein change: p.Asp499Val; replaces aspartic acid 499 with valine.
Molecular consequence: missense variant.
Genome position (GRCh38, 1-based): chr5:36,115,061, T>A on the plus strand (A>T on the coding strand, the complement: LMBRD2 is on the minus strand). VCF-style: chr5-36115061-T-A. GRCh37 (hg19) VCF-style: chr5-36115163-T-A.
Other names: short protein forms D499V.
Identifiers: ClinVar variation 3290907 (VCV003290907.2).
Genomic context (GRCh38, chr5:36,115,061, plus strand): 5'-CTGACCGTACTTACAGATGTATAAGCAGTTGGTTGAGTATTCTTGTGAGAGATAGATGAA[T>A]CCATATGGGTCAAACCCAAGAAATTAAGACATAAAGGAGGTGTCAAACGGCAAAATAGCC-3'
Protein context (NP_001007528.1, residues 489-509): CLNFLGLTHM[Asp499Val]SSISHKNTQP